The following is an entry in ClinVar:

ClinVar aggregate classification (germline): Pathogenic (1 of 4 stars; one submission).

Conditions:
Familial cancer of breast. Also called: BREAST CANCER, FAMILIAL; Hereditary breast cancer; hereditary breast carcinoma. Identifiers: Orphanet 227535, MedGen C0346153, MONDO:0016419, OMIM 114480. Disease mechanism: loss of function.

Submission:

Myriad Genetics, Inc.
Classification: Pathogenic for Familial cancer of breast. Last evaluated: 2024-01-24. Review status: criteria provided, single submitter. Criteria: Myriad Autosomal Dominant, Autosomal Recessive and X-Linked Classification Criteria (2023). Collection method: clinical testing. Allele origin: unknown.
Comment: This variant is considered pathogenic. This variant creates a frameshift predicted to result in premature protein truncation.

NM_000051.4(ATM):c.4665_4666del (p.Ile1557fs)

Gene: ATM (ATM serine/threonine kinase; plus strand). Cytogenetic location: 11q22.3.
Variant type: Microsatellite.
Coding change: c.4665_4666del on transcript NM_000051.4 (MANE Select); coding-DNA positions 4665 to 4666, 2 bases deleted (CT; older notation c.4665_4666delCT).
Protein change: p.Ile1557fs; shifts the reading frame from isoleucine 1557.
Molecular consequence: frameshift variant.
Genome position (GRCh38, 1-based): chr11:108,293,366-108,293,367, CT deleted; deleting any 2 consecutive bases within chr11:108,293,364-108,293,367 gives the same sequence; the c. name uses the placement nearest the transcript's 3' end. VCF-style (leftmost placement, unchanged base first): chr11-108293363-CCT-C. GRCh37 (hg19) VCF-style: chr11-108164090-CCT-C.
Other names: c.4665_4666del, p.Ile1557fs (NM_001351834.2); short protein forms I1557fs.
Identifiers: ClinVar variation 3148162 (VCV003148162.1), dbSNP rs2546930818, ClinGen allele CA2825001887.